The following is an entry in ClinVar:

NM_001365951.3(KIF1B):c.5305G>A (p.Ala1769Thr)

Gene: KIF1B (kinesin family member 1B; plus strand). Cytogenetic location: 1p36.22.
Variant type: single nucleotide variant.
Coding change: c.5305G>A on transcript NM_001365951.3 (MANE Select); coding-DNA position 5305, G replaced by A.
Protein change: p.Ala1769Thr; replaces alanine 1769 with threonine.
Molecular consequence: missense variant.
Genome position (GRCh38, 1-based): chr1:10,375,270, G>A. VCF-style: chr1-10375270-G-A. GRCh37 (hg19) VCF-style: chr1-10435328-G-A.
Other names: c.5305G>A, p.Ala1769Thr (NM_001365952.1); c.5167G>A, p.Ala1723Thr (NM_015074.3); short protein forms A1769T, A1723T.
Identifiers: ClinVar variation 2448069 (VCV002448069.3), dbSNP rs764927853, ClinGen allele CA582314.

ClinVar aggregate classification (germline): Uncertain significance (1 of 4 stars; one submission).

Allele frequency attached by ClinVar (database versions not stated): gnomAD exomes below 0.00001; TOPMed below 0.00001; ExAC 0.00001; gnomAD 0.00001.
gnomAD v4.1: 4 of 1,613,906 alleles (0.00025%); highest among the groups gnomAD compares: East Asian, 0.0089%; no homozygotes.

Submission:

Ambry Genetics
Classification: Uncertain significance. Last evaluated: 2025-05-16. Review status: criteria provided, single submitter. Criteria: Ambry Variant Classification Scheme 2023. Collection method: clinical testing. Allele origin: germline.
Comment: The p.A1723T variant (also known as c.5167G>A), located in coding exon 45 of the KIF1B gene, results from a G to A substitution at nucleotide position 5167. The alanine at codon 1723 is replaced by threonine, an amino acid with similar properties. This amino acid position is conserved. In addition, this alteration is predicted to be tolerated by in silico analysis. Since supporting evidence is limited at this time, the clinical significance of this alteration remains unclear.